The following is an entry in ClinVar:

ClinVar aggregate classification (germline): Uncertain significance (1 of 4 stars; one submission).

Conditions:
Distal myopathy with posterior leg and anterior hand involvement. Also called: WILLIAMS DISTAL MYOPATHY. Identifiers: Orphanet 63273, MedGen C3279722, MONDO:0013550, OMIM 614065.
Hypertrophic cardiomyopathy 26. Also called: Cardiomyopathy, familial hypertrophic, 26. Identifiers: Orphanet 75249, MedGen C4310749, MONDO:0014883, OMIM 617047.
Myofibrillar myopathy 5. Also called: Filaminopathy (type); FILAMINOPATHY, AUTOSOMAL DOMINANT. Identifiers: Orphanet 171445, MedGen C1836050, MONDO:0012289, OMIM 609524.

Submission:

Labcorp Genetics (formerly Invitae), Labcorp
Classification: Uncertain significance for Distal myopathy with posterior leg and anterior hand involvement; Myofibrillar myopathy 5; Hypertrophic cardiomyopathy 26. Last evaluated: 2024-03-21. Review status: criteria provided, single submitter. Criteria: Invitae Variant Classification Sherloc (09022015). Collection method: clinical testing. Allele origin: germline.
Comment: This sequence change replaces serine, which is neutral and polar, with leucine, which is neutral and non-polar, at codon 1449 of the FLNC protein (p.Ser1449Leu). This variant is not present in population databases (gnomAD no frequency). This variant has not been reported in the literature in individuals affected with FLNC-related conditions. Advanced modeling of protein sequence and biophysical properties (such as structural, functional, and spatial information, amino acid conservation, physicochemical variation, residue mobility, and thermodynamic stability) has been performed at Invitae for this missense variant, however the output from this modeling did not meet the statistical confidence thresholds required to predict the impact of this variant on FLNC protein function. In summary, the available evidence is currently insufficient to determine the role of this variant in disease. Therefore, it has been classified as a Variant of Uncertain Significance.

NM_001458.5(FLNC):c.4346C>T (p.Ser1449Leu)

Gene: FLNC (filamin C; plus strand). Cytogenetic location: 7q32.1.
Variant type: single nucleotide variant.
Coding change: c.4346C>T on transcript NM_001458.5 (MANE Select); coding-DNA position 4346, C replaced by T.
Protein change: p.Ser1449Leu; replaces serine 1449 with leucine.
Molecular consequence: missense variant.
Genome position (GRCh38, 1-based): chr7:128,847,754, C>T. VCF-style: chr7-128847754-C-T. GRCh37 (hg19) VCF-style: chr7-128487808-C-T.
Other names: c.4346C>T, p.Ser1449Leu (NM_001127487.2); short protein forms S1449L.
Identifiers: ClinVar variation 3755457 (VCV003755457.2).